The following is an entry in ClinVar:

ClinVar aggregate classification (germline): Uncertain significance. Review status: criteria provided, multiple submitters, no conflicts (2 of 4 stars). 2 submissions from 2 submitters: Uncertain significance (2). Last evaluated 2025-04-18.

Conditions:
Malignant hyperthermia, susceptibility to, 1 (MHS1). Also called: Anesthesia related hyperthermia; Malignant hyperpyrexia; Fulminating hyperpyrexia; Pharmacogenic myopathy; Malignant hyperthermia suceptibility 1; RYR1-Related Malignant Hyperthermia Susceptibility. Identifiers: Orphanet 423, MedGen C2930980, MONDO:0007783, OMIM 145600.

Submissions (2):

GeneDx
Classification: Uncertain significance. Last evaluated: 2025-04-18. Review status: criteria provided, single submitter. Criteria: GeneDx Variant Classification Process June 2021. Collection method: clinical testing. Allele origin: germline. Affected: yes.
Comment: Not observed at significant frequency in large population cohorts (gnomAD); In silico analysis supports that this missense variant does not alter protein structure/function; Has not been previously published as pathogenic or benign to our knowledge

All of Us Research Program, National Institutes of Health
Classification: Uncertain significance for Malignant hyperthermia, susceptibility to, 1. Last evaluated: 2023-12-13. Review status: criteria provided, single submitter. Criteria: ACMG Guidelines, 2015. Collection method: clinical testing. Allele origin: germline. Inheritance: Autosomal dominant inheritance. Observed: 1 variant allele, 1 heterozygote.
Comment: This missense variant replaces serine with tyrosine at codon 4471 of the RYR1 protein. Computational prediction suggests that this variant may not impact protein structure and function (internally defined REVEL score threshold <= 0.5, PMID: 27666373). To our knowledge, functional studies have not been reported for this variant. This variant has not been reported in individuals affected with RYR1-related disorders in the literature. This variant has not been identified in the general population by the Genome Aggregation Database (gnomAD). The available evidence is insufficient to determine the role of this variant in disease conclusively. Therefore, this variant is classified as a Variant of Uncertain Significance.

This study involves interpretation of variants in research participants for the purpose of population health screening. Participant phenotype was not available at the time of variant classification. Additional details can be found in publication PMID: 35346344, PMCID: PMC8962531

NM_000540.3(RYR1):c.13412C>A (p.Ser4471Tyr)

Gene: RYR1 (ryanodine receptor 1; plus strand). Cytogenetic location: 19q13.2.
Variant type: single nucleotide variant.
Coding change: c.13412C>A on transcript NM_000540.3 (MANE Select); coding-DNA position 13412, C replaced by A.
Protein change: p.Ser4471Tyr; replaces serine 4471 with tyrosine.
Molecular consequence: missense variant.
Genome position (GRCh38, 1-based): chr19:38,565,746, C>A. VCF-style: chr19-38565746-C-A. GRCh37 (hg19) VCF-style: chr19-39056386-C-A.
Other names: c.13397C>A, p.Ser4466Tyr (NM_001042723.2); short protein forms S4466Y, S4471Y.
Identifiers: ClinVar variation 1326241 (VCV001326241.4), dbSNP rs1973389067, ClinGen allele CA405675740.